The following is an entry in ClinVar:

ClinVar aggregate classification (germline): Uncertain significance. Review status: criteria provided, multiple submitters, no conflicts (2 of 4 stars). 4 submissions from 4 submitters: Uncertain significance (4). Last evaluated 2025-11-26.

Conditions:
Familial cancer of breast. Also called: Hereditary breast cancer; BREAST CANCER, FAMILIAL; hereditary breast carcinoma. Identifiers: Orphanet 227535, MedGen C0346153, MONDO:0016419, OMIM 114480. Disease mechanism: loss of function.
Fanconi anemia complementation group J. Also called: BRIP1-Related Fanconi Anemia. Identifiers: Orphanet 84, MedGen C1836860, MONDO:0012187, OMIM 609054.
Hereditary cancer-predisposing syndrome. Also called: Hereditary neoplastic syndrome; Tumor predisposition; Neoplastic Syndromes, Hereditary; Hereditary Cancer Syndrome. Identifiers: Orphanet 140162, MedGen C0027672, MeSH D009386, MONDO:0015356.

Submissions (4):

Ambry Genetics
Classification: Uncertain significance for Hereditary cancer-predisposing syndrome. Last evaluated: 2025-11-26. Review status: criteria provided, single submitter. Criteria: Ambry Variant Classification Scheme 2023. Collection method: clinical testing. Allele origin: germline.
Comment: The p.P619A variant (also known as c.1855C>G), located in coding exon 12 of the BRIP1 gene, results from a C to G substitution at nucleotide position 1855. The proline at codon 619 is replaced by alanine, an amino acid with highly similar properties. This amino acid position is conserved. In addition, this alteration is predicted to be deleterious by in silico analysis. Since supporting evidence is limited at this time, the clinical significance of this alteration remains unclear.

Laboratorio de I+D, Fundación Centro Médico de Asturias
Classification: Uncertain significance for Hereditary cancer-predisposing syndrome. Last evaluated: 2025-07-09. Review status: criteria provided, single submitter. Criteria: ACMG Guidelines, 2015. Collection method: clinical testing. Allele origin: germline.
Comment: PM2_Supporting+PP3+BP1

Labcorp Genetics (formerly Invitae), Labcorp
Classification: Uncertain significance for Familial cancer of breast; Fanconi anemia complementation group J. Last evaluated: 2025-05-22. Review status: criteria provided, single submitter. Criteria: Invitae Variant Classification Sherloc (09022015). Collection method: clinical testing. Allele origin: germline.
Comment: This sequence change replaces proline, which is neutral and non-polar, with alanine, which is neutral and non-polar, at codon 619 of the BRIP1 protein (p.Pro619Ala). This variant is not present in population databases (gnomAD no frequency). This variant has not been reported in the literature in individuals affected with BRIP1-related conditions. ClinVar contains an entry for this variant (Variation ID: 960333). Invitae Evidence Modeling of protein sequence and biophysical properties (such as structural, functional, and spatial information, amino acid conservation, physicochemical variation, residue mobility, and thermodynamic stability) indicates that this missense variant is expected to disrupt BRIP1 protein function with a positive predictive value of 95%. In summary, the available evidence is currently insufficient to determine the role of this variant in disease. Therefore, it has been classified as a Variant of Uncertain Significance.

Baylor Genetics
Classification: Uncertain significance for Familial cancer of breast. Last evaluated: 2023-12-17. Review status: criteria provided, single submitter. Criteria: ACMG Guidelines, 2015. Collection method: clinical testing. Allele origin: unknown.

NM_032043.3(BRIP1):c.1855C>G (p.Pro619Ala)

Gene: BRIP1 (BRCA1 interacting DNA helicase 1; minus strand). Cytogenetic location: 17q23.2.
Variant type: single nucleotide variant.
Coding change: c.1855C>G on transcript NM_032043.3 (MANE Select); coding-DNA position 1855, C replaced by G.
Protein change: p.Pro619Ala; replaces proline 619 with alanine.
Molecular consequence: missense variant.
Genome position (GRCh38, 1-based): chr17:61,780,341, G>C on the plus strand (C>G on the coding strand, the complement: BRIP1 is on the minus strand). VCF-style: chr17-61780341-G-C. GRCh37 (hg19) VCF-style: chr17-59857702-G-C.
Other names: short protein forms P619A.
Identifiers: ClinVar variation 960333 (VCV000960333.16), dbSNP rs2077596661, ClinGen allele CA400480109.